The following is an entry in ClinVar:

NM_001375524.1(TRRAP):c.6593A>G (p.Lys2198Arg)

Gene: TRRAP (transformation/transcription domain associated protein; plus strand). Cytogenetic location: 7q22.1.
Variant type: single nucleotide variant.
Coding change: c.6593A>G on transcript NM_001375524.1 (MANE Select); coding-DNA position 6593, A replaced by G.
Protein change: p.Lys2198Arg; replaces lysine 2198 with arginine.
Molecular consequence: missense variant.
Genome position (GRCh38, 1-based): chr7:98,961,364, A>G. VCF-style: chr7-98961364-A-G. GRCh37 (hg19) VCF-style: chr7-98558987-A-G.
Other names: c.6572A>G, p.Lys2191Arg (NM_001244580.2); c.6518A>G, p.Lys2173Arg (NM_003496.4); short protein forms K2173R, K2191R, K2198R.
Identifiers: ClinVar variation 1333827 (VCV001333827.2), dbSNP rs1791883966, ClinGen allele CA368285063.

ClinVar aggregate classification (germline): Uncertain significance. Review status: criteria provided, multiple submitters, no conflicts (2 of 4 stars). 2 submissions from 2 submitters: Uncertain significance (2). Last evaluated 2025-05-07.

Conditions:
Developmental delay with or without dysmorphic facies and autism. Identifiers: MedGen C5193106, MONDO:0032760, OMIM 618454.

Allele frequency attached by ClinVar (database versions not stated): gnomAD exomes 0.00001.
gnomAD v4.1: 4 of 1,614,234 alleles (0.00025%); highest among the groups gnomAD compares: Non-Finnish European, 0.00034%; no homozygotes.

Submissions (2):

Labcorp Genetics (formerly Invitae), Labcorp
Classification: Uncertain significance. Last evaluated: 2025-05-07. Review status: criteria provided, single submitter. Criteria: Invitae Variant Classification Sherloc (09022015). Collection method: clinical testing. Allele origin: germline.
Comment: This sequence change replaces lysine, which is basic and polar, with arginine, which is basic and polar, at codon 2173 of the TRRAP protein (p.Lys2173Arg). This variant is not present in population databases (gnomAD no frequency). This variant has not been reported in the literature in individuals affected with TRRAP-related conditions. ClinVar contains an entry for this variant (Variation ID: 1333827). Invitae Evidence Modeling of protein sequence and biophysical properties (such as structural, functional, and spatial information, amino acid conservation, physicochemical variation, residue mobility, and thermodynamic stability) indicates that this missense variant is not expected to disrupt TRRAP protein function with a negative predictive value of 80%. In summary, the available evidence is currently insufficient to determine the role of this variant in disease. Therefore, it has been classified as a Variant of Uncertain Significance.

CENTOGENE GmbH and LLC - Guiding Precision Medicine
Classification: Uncertain significance for Developmental delay with or without dysmorphic facies and autism. Last evaluated: 2020-06-04. Review status: criteria provided, single submitter. Criteria: ACMG Guidelines, 2015. Collection method: clinical testing. Allele origin: germline. Affected: yes.